The following is an entry in ClinVar:

ClinVar aggregate classification (germline): Benign. Review status: criteria provided, multiple submitters, no conflicts (2 of 4 stars). 3 submissions from 3 submitters: Benign (2). 1 of the submissions does not count toward it. Last evaluated 2026-02-03.

Conditions:
UNC80-related disorder. Also called: UNC80-related condition.

Allele frequency attached by ClinVar (database versions not stated): ExAC 0.00459; ESP Exome Variant Server 0.01183; 1000 Genomes Project 0.01218; 1000 Genomes Project 30x 0.01327; gnomAD 0.01346 and 0.01444; TOPMed 0.01455; gnomAD exomes 0.00329.
gnomAD v4.1: 4,050 of 1,552,012 alleles (0.26%); highest among the groups gnomAD compares: African/African-American, 4.4%; 99 homozygotes.

Submissions (3):

Labcorp Genetics (formerly Invitae), Labcorp
Classification: Benign. Last evaluated: 2026-02-03. Review status: criteria provided, single submitter. Criteria: Invitae Variant Classification Sherloc (09022015). Collection method: clinical testing. Allele origin: germline.

Breakthrough Genomics
Classification: Benign. Review status: criteria provided, single submitter. Criteria: ACMG Guidelines, 2015. Collection method: not provided. Allele origin: germline. Inheritance: Autosomal recessive inheritance. Affected: yes.

PreventionGenetics, part of Exact Sciences
Classification: Benign for UNC80-related condition. Last evaluated: 2019-07-19. Review status: no assertion criteria provided. Collection method: clinical testing. Allele origin: germline. Not counted in ClinVar's aggregate classification.
Comment: This variant is classified as benign based on ACMG/AMP sequence variant interpretation guidelines (Richards et al. 2015 PMID: 25741868, with internal and published modifications).

NM_001371986.1(UNC80):c.3202T>G (p.Ser1068Ala)

Gene: UNC80 (unc-80 subunit of NALCN channel complex; plus strand). Cytogenetic location: 2q34.
Variant type: single nucleotide variant.
Coding change: c.3202T>G on transcript NM_001371986.1 (MANE Select); coding-DNA position 3202, T replaced by G.
Protein change: p.Ser1068Ala; replaces serine 1068 with alanine.
Molecular consequence: missense variant.
Genome position (GRCh38, 1-based): chr2:209,839,382, T>G. VCF-style: chr2-209839382-T-G. GRCh37 (hg19) VCF-style: chr2-210704106-T-G.
Other names: c.3202T>G, p.Ser1068Ala (NM_032504.2); c.3187T>G, p.Ser1063Ala (NM_182587.4); short protein forms S1068A, S1063A.
Identifiers: ClinVar variation 789570 (VCV000789570.14), dbSNP rs148484278, ClinGen allele CA2083089.
Genomic context (GRCh38, chr2:209,839,382, plus strand): 5'-CAGGACACTTCAGAATGCACGACTGCCCACTCAGGGACCACCTCTGACCGACGTGCCCGC[T>G]CACGATCCCGCAGAATTTCCCTCCGAAAGAAGCTTAAACTCCCCATAGGTAAAAGTATGT-3'
Protein context (NP_001358915.1, residues 1058-1078): SGTTSDRRAR[Ser1068Ala]RSRRISLRKK